The following is an entry in ClinVar:

ClinVar aggregate classification (germline): Pathogenic (1 of 4 stars; one submission).

Conditions:
Hereditary breast ovarian cancer syndrome. Also called: Hereditary breast and ovarian cancer syndrome (HBOC); Breast and ovarian cancer; BRCA1- and BRCA2-Associated Hereditary Breast and Ovarian Cancer; Hereditary breast and ovarian cancer syndrome; Hereditary breast and ovarian cancer; Hereditary breast and/or ovarian cancer syndrome. Identifiers: Orphanet 145, MedGen C0677776, MeSH D061325, MONDO:0003582. Disease mechanism: loss of function.

Submission:

Labcorp Genetics (formerly Invitae), Labcorp
Classification: Pathogenic for Hereditary breast ovarian cancer syndrome. Last evaluated: 2023-03-11. Review status: criteria provided, single submitter. Criteria: Invitae Variant Classification Sherloc (09022015). Collection method: clinical testing. Allele origin: germline.
Comment: For these reasons, this variant has been classified as Pathogenic. This variant has not been reported in the literature in individuals affected with BRCA2-related conditions. This variant is not present in population databases (gnomAD no frequency). This sequence change creates a premature translational stop signal (p.Asn2051Serfs*15) in the BRCA2 gene. It is expected to result in an absent or disrupted protein product. Loss-of-function variants in BRCA2 are known to be pathogenic (PMID: 20104584).

Literature cited by the submitters: PubMed 20104584.

NM_000059.4(BRCA2):c.6150_6162del (p.Asn2051fs)

Gene: BRCA2 (BRCA2 DNA repair associated; plus strand). Cytogenetic location: 13q13.1.
Variant type: Deletion.
Coding change: c.6150_6162del on transcript NM_000059.4 (MANE Select); coding-DNA positions 6150 to 6162, 13 bases deleted (AAATTCATCTGCT).
Protein change: p.Asn2051fs; shifts the reading frame from asparagine 2051.
Molecular consequence: frameshift variant. On other transcripts: non-coding transcript variant (1), intron variant (2).
Genome position (GRCh38, 1-based): chr13:32,340,505-32,340,517, AAATTCATCTGCT deleted; deleting any 13 consecutive bases within chr13:32,340,504-32,340,517 gives the same sequence; the c. name uses the placement nearest the transcript's 3' end. VCF-style (leftmost placement, unchanged base first): chr13-32340503-GTAAATTCATCTGC-G. GRCh37 (hg19) VCF-style: chr13-32914640-GTAAATTCATCTGC-G.
Other names: c.6150_6162del, p.Asn2051fs (NM_001406719.1, NM_001406720.1); c.1910-4053_1910-4041del (NM_001406721.1); c.425-4053_425-4041del (NM_001406722.1); short protein forms N2051fs.
Identifiers: ClinVar variation 2844931 (VCV002844931.3), dbSNP rs2548532682, ClinGen allele CA2739277513.
Genomic context (GRCh38, chr13:32,340,503, plus strand): 5'-AATACTGCTATACGTACTCCAGAACATTTAATATCCCAAAAAGGCTTTTCATATAATGTG[GTAAATTCATCTGC>G]TTTCTCTGGATTTAGTACAGCAAGTGGAAAGCAAGTTTCCATTTTAGAAAGTTCCTTACA-3'